The following is an entry in ClinVar:

ClinVar aggregate classification (germline): Uncertain significance (1 of 4 stars; one submission).

Allele frequency attached by ClinVar (database versions not stated): TOPMed 0.00001; ExAC 0.00002; gnomAD exomes 0.00003.
gnomAD v4.1: 48 of 1,612,906 alleles (0.003%); highest among the groups gnomAD compares: East Asian, 0.067%; no homozygotes.

Submission:

Labcorp Genetics (formerly Invitae), Labcorp
Classification: Uncertain significance. Last evaluated: 2022-08-25. Review status: criteria provided, single submitter. Criteria: Invitae Variant Classification Sherloc (09022015). Collection method: clinical testing. Allele origin: germline.
Comment: Algorithms developed to predict the effect of missense changes on protein structure and function are either unavailable or do not agree on the potential impact of this missense change (SIFT: "Deleterious"; PolyPhen-2: "Possibly Damaging"; Align-GVGD: "Class C0"). In summary, the available evidence is currently insufficient to determine the role of this variant in disease. Therefore, it has been classified as a Variant of Uncertain Significance. This variant has not been reported in the literature in individuals affected with KDM5A-related conditions. This variant is present in population databases (rs761659981, gnomAD 0.01%). This sequence change replaces threonine, which is neutral and polar, with methionine, which is neutral and non-polar, at codon 234 of the KDM5A protein (p.Thr234Met).

NM_001042603.3(KDM5A):c.701C>T (p.Thr234Met)

Gene: KDM5A (lysine demethylase 5A; minus strand). Cytogenetic location: 12p13.33.
Variant type: single nucleotide variant.
Coding change: c.701C>T on transcript NM_001042603.3 (MANE Select); coding-DNA position 701, C replaced by T.
Protein change: p.Thr234Met; replaces threonine 234 with methionine.
Molecular consequence: missense variant.
Genome position (GRCh38, 1-based): chr12:356,509, G>A on the plus strand (C>T on the coding strand, the complement: KDM5A is on the minus strand). VCF-style: chr12-356509-G-A. GRCh37 (hg19) VCF-style: chr12-465675-G-A.
Other names: short protein forms T234M.
Identifiers: ClinVar variation 2096141 (VCV002096141.4), dbSNP rs761659981, ClinGen allele CA6379559.